The following is an entry in ClinVar:

NC_012920.1(MT-ATP6):m.8939T>C

Gene: MT-ATP6 (mitochondrially encoded ATP synthase 6; plus strand).
Variant type: single nucleotide variant.
Genome position: chrM-8939-T-C.
Identifiers: ClinVar variation 693030 (VCV000693030.1), dbSNP rs1603221925, ClinGen allele CA414799062.

ClinVar aggregate classification (germline): Likely benign (1 of 4 stars; one submission).

Conditions:
Leigh syndrome (NULS). Also called: Leigh's necrotizing encephalopathy; Leigh's disease; Leigh Syndrome (mtDNA deletion); Leigh Disease; Subacute necrotizing encephalopathy; Necrotizing encephalopathy infantile subacute of Leigh. Identifiers: Orphanet 506, MedGen C2931891, MONDO:0009723, OMIM 256000.

Submission:

Wong Mito Lab, Molecular and Human Genetics, Baylor College of Medicine
Classification: Likely benign for Leigh syndrome. Last evaluated: 2019-10-17. Review status: criteria provided, single submitter. Criteria: Modified ACMG Guidelines (Unpublished). Collection method: clinical testing. Allele origin: germline.
Comment: The NC_012920.1:m.8939T>C (YP_003024031.1:p.Ile138Thr) variant in MTATP6 gene is interpretated to be a Likely Benign variant based on the modified ACMG guidelines (unpublished). This variant meets the following evidence codes: BS1, BP6